The following is an entry in ClinVar:

NM_001035.3(RYR2):c.8740A>G (p.Thr2914Ala)

Gene: RYR2 (ryanodine receptor 2; plus strand). Cytogenetic location: 1q43.
Variant type: single nucleotide variant.
Coding change: c.8740A>G on transcript NM_001035.3 (MANE Select); coding-DNA position 8740, A replaced by G.
Protein change: p.Thr2914Ala; replaces threonine 2914 with alanine.
Molecular consequence: missense variant.
Genome position (GRCh38, 1-based): chr1:237,674,756, A>G. VCF-style: chr1-237674756-A-G. GRCh37 (hg19) VCF-style: chr1-237838056-A-G.
Other names: short protein forms T2914A.
Identifiers: ClinVar variation 3369375 (VCV003369375.4).

ClinVar aggregate classification (germline): Conflicting classifications of pathogenicity. Review status: criteria provided, conflicting classifications (1 of 4 stars). 3 submissions from 3 submitters: Uncertain significance (2); Likely benign (1). Last evaluated 2025-05-25.

Conditions:
Catecholaminergic polymorphic ventricular tachycardia 1. Also called: VENTRICULAR TACHYCARDIA, STRESS-INDUCED POLYMORPHIC 1; VENTRICULAR TACHYCARDIA, CATECHOLAMINERGIC POLYMORPHIC, 1, WITH OR WITHOUT ATRIAL DYSFUNCTION AND/OR DILATED CARDIOMYOPATHY; RYR2-Related Catecholaminergic Polymorphic Ventricular Tachycardia. Identifiers: Orphanet 3286, MedGen C1631597, MONDO:0011484, OMIM 604772.
Cardiovascular phenotype. Identifiers: MedGen CN230736.

gnomAD v4.1: 1 of 1,611,880 alleles (0.000062%); highest among the groups gnomAD compares: South Asian, 0.0011%; no homozygotes.

Submissions (3):

Ambry Genetics
Classification: Likely benign for Cardiovascular phenotype. Last evaluated: 2025-05-25. Review status: criteria provided, single submitter. Criteria: Ambry Variant Classification Scheme 2023. Collection method: clinical testing. Allele origin: germline.

GeneDx
Classification: Uncertain significance. Last evaluated: 2024-04-22. Review status: criteria provided, single submitter. Criteria: GeneDx Variant Classification Process June 2021. Collection method: clinical testing. Allele origin: germline. Affected: yes.
Comment: Not observed at significant frequency in large population cohorts (gnomAD); In silico analysis indicates that this missense variant does not alter protein structure/function; Not located in one of the three hot-spot regions of the RYR2 gene, where the majority of pathogenic missense variants occur (PMID: 19926015); Reported in a patient with DCM in published literature who also harbored a variant in the LMNA gene (PMID: 32746448); This variant is associated with the following publications: (PMID: 19926015, 32746448)

Labcorp Genetics (formerly Invitae), Labcorp
Classification: Uncertain significance for Catecholaminergic polymorphic ventricular tachycardia 1. Last evaluated: 2024-02-15. Review status: criteria provided, single submitter. Criteria: Invitae Variant Classification Sherloc (09022015). Collection method: clinical testing. Allele origin: germline.
Comment: This sequence change replaces threonine, which is neutral and polar, with alanine, which is neutral and non-polar, at codon 2914 of the RYR2 protein (p.Thr2914Ala). This variant is not present in population databases (gnomAD no frequency). This missense change has been observed in individual(s) with dilated cardiomyopathy (PMID: 32746448). Advanced modeling of protein sequence and biophysical properties (such as structural, functional, and spatial information, amino acid conservation, physicochemical variation, residue mobility, and thermodynamic stability) performed at Invitae indicates that this missense variant is not expected to disrupt RYR2 protein function with a negative predictive value of 95%. In summary, the available evidence is currently insufficient to determine the role of this variant in disease. Therefore, it has been classified as a Variant of Uncertain Significance.

Literature cited by the submitters: PubMed 32746448 (cited by Ambry Genetics and Labcorp Genetics (formerly Invitae), Labcorp).